The following is an entry in ClinVar:

NM_198578.4(LRRK2):c.4919A>C (p.Lys1640Thr)

Gene: LRRK2 (leucine rich repeat kinase 2; plus strand). Cytogenetic location: 12q12.
Variant type: single nucleotide variant.
Coding change: c.4919A>C on transcript NM_198578.4 (MANE Select); coding-DNA position 4919, A replaced by C.
Protein change: p.Lys1640Thr; replaces lysine 1640 with threonine.
Molecular consequence: missense variant.
Genome position (GRCh38, 1-based): chr12:40,320,079, A>C. VCF-style: chr12-40320079-A-C. GRCh37 (hg19) VCF-style: chr12-40713881-A-C.
Other names: short protein forms K1640T.
Identifiers: ClinVar variation 3540644 (VCV003540644.1).

ClinVar aggregate classification (germline): Uncertain significance (1 of 4 stars; one submission).

Conditions:
Inborn genetic diseases. Identifiers: MedGen C0950123, MeSH D030342.

Submission:

Ambry Genetics
Classification: Uncertain significance for Inborn genetic diseases. Last evaluated: 2024-08-27. Review status: criteria provided, single submitter. Criteria: Ambry Variant Classification Scheme 2023. Collection method: clinical testing. Allele origin: germline.
Comment: The p.K1640T variant (also known as c.4919A>C), located in coding exon 34 of the LRRK2 gene, results from an A to C substitution at nucleotide position 4919. The lysine at codon 1640 is replaced by threonine, an amino acid with similar properties. This amino acid position is conserved. In addition, this alteration is predicted to be tolerated by in silico analysis. Based on the available evidence, the clinical significance of this variant remains unclear.